The following is an entry in ClinVar:

ClinVar aggregate classification (germline): Pathogenic (1 of 4 stars; one submission).

Submission:

Labcorp Genetics (formerly Invitae), Labcorp
Classification: Pathogenic. Last evaluated: 2024-05-28. Review status: criteria provided, single submitter. Criteria: Invitae Variant Classification Sherloc (09022015). Collection method: clinical testing. Allele origin: germline.
Comment: This sequence change creates a premature translational stop signal (p.Leu803*) in the CLCN2 gene. It is expected to result in an absent or disrupted protein product. Loss-of-function variants in CLCN2 are known to be pathogenic (PMID: 23707145). This variant is not present in population databases (gnomAD no frequency). This variant has not been reported in the literature in individuals affected with CLCN2-related conditions. For these reasons, this variant has been classified as Pathogenic.

Literature cited by the submitters: PubMed 23707145.

NM_004366.6(CLCN2):c.2408T>A (p.Leu803Ter)

Gene: CLCN2 (chloride voltage-gated channel 2; minus strand). Cytogenetic location: 3q27.1.
Variant type: single nucleotide variant.
Coding change: c.2408T>A on transcript NM_004366.6 (MANE Select); coding-DNA position 2408, T replaced by A.
Protein change: p.Leu803Ter; replaces leucine 803 with a stop codon.
Molecular consequence: nonsense.
Genome position (GRCh38, 1-based): chr3:184,352,020, A>T on the plus strand (T>A on the coding strand, the complement: CLCN2 is on the minus strand). VCF-style: chr3-184352020-A-T. GRCh37 (hg19) VCF-style: chr3-184069808-A-T.
Other names: c.2357T>A, p.Leu786Ter (NM_001171087.3); c.2276T>A, p.Leu759Ter (NM_001171088.3); c.2408T>A, p.Leu803Ter (NM_001171089.3); short protein forms L759*, L786*, L803*.
Identifiers: ClinVar variation 3652717 (VCV003652717.2).
Genomic context (GRCh38, chr3:184,352,020, plus strand): 5'-CCCACTGTGTCCTGAGAGCCTAGACCAGCCCTGGGCCAGGCTGCTGGCCCTACCTTGTGC[A>T]AAGAGGTCCGCTCCACCAGCTGGAAGGGAGCAGGATCAATTTTGCAGTCACTGAAGTTGA-3'